The following is an entry in ClinVar:

ClinVar aggregate classification (germline): Uncertain significance (1 of 4 stars; one submission).

gnomAD v4.1: 5 of 1,614,064 alleles (0.00031%); highest among the groups gnomAD compares: South Asian, 0.0011%; no homozygotes.

Submission:

Labcorp Genetics (formerly Invitae), Labcorp
Classification: Uncertain significance. Last evaluated: 2024-10-07. Review status: criteria provided, single submitter. Criteria: Invitae Variant Classification Sherloc (09022015). Collection method: clinical testing. Allele origin: germline.
Comment: This sequence change replaces valine, which is neutral and non-polar, with methionine, which is neutral and non-polar, at codon 414 of the KANK1 protein (p.Val414Met). This variant is not present in population databases (gnomAD no frequency). This variant has not been reported in the literature in individuals affected with KANK1-related conditions. An algorithm developed to predict the effect of missense changes on protein structure and function (PolyPhen-2) suggests that this variant is likely to be tolerated. In summary, the available evidence is currently insufficient to determine the role of this variant in disease. Therefore, it has been classified as a Variant of Uncertain Significance.

NM_015158.5(KANK1):c.1240G>A (p.Val414Met)

Gene: KANK1 (KN motif and ankyrin repeat domains 1; plus strand). Cytogenetic location: 9p24.3.
Variant type: single nucleotide variant.
Coding change: c.1240G>A on transcript NM_015158.5 (MANE Select); coding-DNA position 1240, G replaced by A.
Protein change: p.Val414Met; replaces valine 414 with methionine.
Molecular consequence: missense variant. On other transcripts: non-coding transcript variant (1).
Genome position (GRCh38, 1-based): chr9:712,006, G>A. VCF-style: chr9-712006-G-A. GRCh37 (hg19) VCF-style: chr9-712006-G-A.
Other names: c.1240G>A, p.Val414Met (NM_001256876.3, NM_001256877.3, NM_001354331.2 and 2 more transcripts); c.766G>A, p.Val256Met (NM_001354333.2, NM_001354335.2, NM_001354336.2 and 9 more transcripts); short protein forms V256M, V414M.
Identifiers: ClinVar variation 3706940 (VCV003706940.2).